The following is an entry in ClinVar:

ClinVar aggregate classification (germline): Likely benign. Review status: criteria provided, multiple submitters, no conflicts (2 of 4 stars). 2 submissions from 2 submitters: Likely benign (2). Last evaluated 2025-08-06.

Conditions:
Kleefstra syndrome 1 (KLEFS1). Identifiers: Orphanet 261494, MedGen C0795833, MONDO:0027407, OMIM 610253.

Allele frequency attached by ClinVar (database versions not stated): TOPMed 0.00007; ESP Exome Variant Server 0.00015.
gnomAD v4.1: 211 of 1,613,976 alleles (0.013%); highest among the groups gnomAD compares: Non-Finnish European, 0.016%; no homozygotes.

Submissions (2):

Labcorp Genetics (formerly Invitae), Labcorp
Classification: Likely benign for Kleefstra syndrome 1. Last evaluated: 2025-08-06. Review status: criteria provided, single submitter. Criteria: Invitae Variant Classification Sherloc (09022015). Collection method: clinical testing. Allele origin: germline.

CeGaT Center for Human Genetics Tuebingen
Classification: Likely benign. Last evaluated: 2025-07-01. Review status: criteria provided, single submitter. Criteria: CeGaT Center For Human Genetics Tuebingen Variant Classification Criteria Version 2. Collection method: clinical testing. Allele origin: germline. Affected: yes. Observed: 2 variant alleles.
Comment: EHMT1: BP4, BP7

NM_024757.5(EHMT1):c.3123C>G (p.Val1041=)

Gene: EHMT1 (euchromatic histone lysine methyltransferase 1; plus strand). Cytogenetic location: 9q34.3.
Variant type: single nucleotide variant.
Coding change: c.3123C>G on transcript NM_024757.5 (MANE Select); coding-DNA position 3123, C replaced by G.
Protein change: p.Val1041=; no amino-acid change (valine 1041 retained).
Molecular consequence: synonymous variant.
Genome position (GRCh38, 1-based): chr9:137,813,473, C>G. VCF-style: chr9-137813473-C-G. GRCh37 (hg19) VCF-style: chr9-140707925-C-G.
Other names: c.3102C>G, p.Val1034= (NM_001354263.2).
Identifiers: ClinVar variation 366026 (VCV000366026.37), dbSNP rs141527497, ClinGen allele CA5375172.